The following is an entry in ClinVar:

NM_015909.4(NBAS):c.3460G>A (p.Gly1154Ser)

Gene: NBAS (NBAS subunit of NRZ tethering complex; minus strand). Cytogenetic location: 2p24.3.
Variant type: single nucleotide variant.
Coding change: c.3460G>A on transcript NM_015909.4 (MANE Select); coding-DNA position 3460, G replaced by A.
Protein change: p.Gly1154Ser; replaces glycine 1154 with serine.
Molecular consequence: missense variant. On other transcripts: non-coding transcript variant (1).
Genome position (GRCh38, 1-based): chr2:15,379,732, C>T on the plus strand (G>A on the coding strand, the complement: NBAS is on the minus strand). VCF-style: chr2-15379732-C-T. GRCh37 (hg19) VCF-style: chr2-15519856-C-T.
Other names: short protein forms G1154S.
Identifiers: ClinVar variation 1497576 (VCV001497576.6), dbSNP rs2148373526, ClinGen allele CA345897208.

ClinVar aggregate classification (germline): Uncertain significance (1 of 4 stars; one submission).

Submission:

Labcorp Genetics (formerly Invitae), Labcorp
Classification: Uncertain significance. Last evaluated: 2022-01-31. Review status: criteria provided, single submitter. Criteria: Invitae Variant Classification Sherloc (09022015). Collection method: clinical testing. Allele origin: germline.
Comment: In summary, the available evidence is currently insufficient to determine the role of this variant in disease. Therefore, it has been classified as a Variant of Uncertain Significance. Algorithms developed to predict the effect of missense changes on protein structure and function output the following: SIFT: "Deleterious"; PolyPhen-2: "Benign"; Align-GVGD: "Class C55". The serine amino acid residue is found in multiple mammalian species, which suggests that this missense change does not adversely affect protein function. This variant has not been reported in the literature in individuals affected with NBAS-related conditions. This variant is not present in population databases (gnomAD no frequency). This sequence change replaces glycine, which is neutral and non-polar, with serine, which is neutral and polar, at codon 1154 of the NBAS protein (p.Gly1154Ser).